The following is an entry in ClinVar:

ClinVar aggregate classification (germline): Uncertain significance (1 of 4 stars; one submission).

gnomAD v4.1: 6 of 1,613,742 alleles (0.00037%); highest among the groups gnomAD compares: Admixed American, 0.0083%; no homozygotes.

Submission:

Labcorp Genetics (formerly Invitae), Labcorp
Classification: Uncertain significance. Last evaluated: 2025-09-11. Review status: criteria provided, single submitter. Criteria: Invitae Variant Classification Sherloc (09022015). Collection method: clinical testing. Allele origin: germline.
Comment: This sequence change replaces proline, which is neutral and non-polar, with threonine, which is neutral and polar, at codon 51 of the GHR protein (p.Pro51Thr). This variant is present in population databases (no rsID available, gnomAD 0.009%). This variant has not been reported in the literature in individuals affected with GHR-related conditions. ClinVar contains an entry for this variant (Variation ID: 2968480). Invitae Evidence Modeling of protein sequence and biophysical properties (such as structural, functional, and spatial information, amino acid conservation, physicochemical variation, residue mobility, and thermodynamic stability) has been performed for this missense variant. However, the output from this modeling did not meet the statistical confidence thresholds required to predict the impact of this variant on GHR protein function. In summary, the available evidence is currently insufficient to determine the role of this variant in disease. Therefore, it has been classified as a Variant of Uncertain Significance.

NM_000163.5(GHR):c.151C>A (p.Pro51Thr)

Gene: GHR (growth hormone receptor; plus strand). Cytogenetic location: 5p12.
Variant type: single nucleotide variant.
Coding change: c.151C>A on transcript NM_000163.5 (MANE Select); coding-DNA position 151, C replaced by A.
Protein change: p.Pro51Thr; replaces proline 51 with threonine.
Molecular consequence: missense variant.
Genome position (GRCh38, 1-based): chr5:42,688,904, C>A. VCF-style: chr5-42688904-C-A. GRCh37 (hg19) VCF-style: chr5-42689006-C-A.
Other names: c.172C>A, p.Pro58Thr (NM_001242399.2); c.151C>A, p.Pro51Thr (NM_001242400.2, NM_001242401.4, NM_001242402.2 and 5 more transcripts); c.85C>A, p.Pro29Thr (NM_001242460.2); short protein forms P51T, P58T, P29T.
Identifiers: ClinVar variation 2968480 (VCV002968480.3), dbSNP rs1361822427, ClinGen allele CA359694569.